The following is an entry in ClinVar:

ClinVar aggregate classification (germline): Uncertain significance (1 of 4 stars; one submission).

Allele frequency attached by ClinVar (database versions not stated): gnomAD exomes below 0.00001 and 0.00001; TOPMed below 0.00001; gnomAD 0.00001.
gnomAD v4.1: 4 of 1,399,676 alleles (0.00029%); highest among the groups gnomAD compares: African/African-American, 0.0029%; no homozygotes.

Submission:

Labcorp Genetics (formerly Invitae), Labcorp
Classification: Uncertain significance. Last evaluated: 2024-01-02. Review status: criteria provided, single submitter. Criteria: Invitae Variant Classification Sherloc (09022015). Collection method: clinical testing. Allele origin: germline.
Comment: This sequence change replaces alanine, which is neutral and non-polar, with glycine, which is neutral and non-polar, at codon 608 of the CEP78 protein (p.Ala608Gly). This variant is present in population databases (no rsID available, gnomAD 0.002%). This variant has not been reported in the literature in individuals affected with CEP78-related conditions. ClinVar contains an entry for this variant (Variation ID: 1395395). An algorithm developed to predict the effect of missense changes on protein structure and function (PolyPhen-2) suggests that this variant is likely to be disruptive. Algorithms developed to predict the effect of sequence changes on RNA splicing suggest that this variant may disrupt the consensus splice site. In summary, the available evidence is currently insufficient to determine the role of this variant in disease. Therefore, it has been classified as a Variant of Uncertain Significance.

NM_001330691.3(CEP78):c.1820C>G (p.Ala607Gly)

Gene: CEP78 (centrosomal protein 78; plus strand). Cytogenetic location: 9q21.2.
Variant type: single nucleotide variant.
Coding change: c.1820C>G on transcript NM_001330691.3 (MANE Select); coding-DNA position 1820, C replaced by G.
Protein change: p.Ala607Gly; replaces alanine 607 with glycine.
Molecular consequence: missense variant. On other transcripts: intron variant (4).
Genome position (GRCh38, 1-based): chr9:78,265,881, C>G. VCF-style: chr9-78265881-C-G. GRCh37 (hg19) VCF-style: chr9-80880797-C-G.
Other names: c.1823C>G, p.Ala608Gly (NM_001098802.3, NM_001349839.2); c.1820C>G, p.Ala607Gly (NM_001349838.2); c.1800+338C>G (NM_001349840.2, NM_032171.3); c.1797+338C>G (NM_001330693.3, NM_001330694.2); short protein forms A607G, A608G.
Identifiers: ClinVar variation 1395395 (VCV001395395.8), dbSNP rs1336846631, ClinGen allele CA373866654.
Genomic context (GRCh38, chr9:78,265,881, plus strand): 5'-AATTTTATAAATGTCTATTCTATTCATATTCCATCTAGGTTTCTATTTGTATGCAGTCAG[C>G]TTACAATGAAGGAACACTAATGAAGGTACAAGTACTGATATAGATAATTTTTCAGAATAA-3'
Protein context (NP_001317620.1, residues 597-617): NIQVSICMQS[Ala607Gly]YNEGTLMKFQ